The following is an entry in ClinVar:

NM_006659.4(TUBGCP2):c.374C>T (p.Ala125Val)

Gene: TUBGCP2 (tubulin gamma complex component 2; minus strand). Cytogenetic location: 10q26.3.
Variant type: single nucleotide variant.
Coding change: c.374C>T on transcript NM_006659.4 (MANE Select); coding-DNA position 374, C replaced by T.
Protein change: p.Ala125Val; replaces alanine 125 with valine.
Molecular consequence: missense variant. On other transcripts: 5 prime UTR variant (1), non-coding transcript variant (1).
Genome position (GRCh38, 1-based): chr10:133,299,509, G>A on the plus strand (C>T on the coding strand, the complement: TUBGCP2 is on the minus strand). VCF-style: chr10-133299509-G-A. GRCh37 (hg19) VCF-style: chr10-135113013-G-A.
Other names: c.374C>T, p.Ala125Val (NM_001256617.2); c.-17C>T (NM_001256618.2); c.374C>T (NM_001256617.1); short protein forms A125V.
Identifiers: ClinVar variation 2372296 (VCV002372296.4), dbSNP rs199504692, ClinGen allele CA5764523.

ClinVar aggregate classification (germline): Uncertain significance. Review status: criteria provided, single submitter (1 of 4 stars). 2 submissions from 2 submitters: Uncertain significance (1). 1 of the submissions does not count toward it. Last evaluated 2022-06-28.

Conditions:
TUBGCP2-related disorder. Also called: TUBGCP2-related condition.

Allele frequency attached by ClinVar (database versions not stated): gnomAD exomes 0.00003; gnomAD 0.00009; ExAC 0.00013; TOPMed 0.00013; 1000 Genomes Project 30x 0.00016; 1000 Genomes Project 0.00020.
gnomAD v4.1: 104 of 1,613,638 alleles (0.0064%); highest among the groups gnomAD compares: East Asian, 0.096%; 3 homozygotes.

Submissions (2):

Ambry Genetics
Classification: Uncertain significance. Last evaluated: 2022-06-28. Review status: criteria provided, single submitter. Criteria: Ambry Variant Classification Scheme 2023. Collection method: clinical testing. Allele origin: germline.

PreventionGenetics, part of Exact Sciences
Classification: Likely benign for TUBGCP2-related condition. Last evaluated: 2022-04-18. Review status: no assertion criteria provided. Collection method: clinical testing. Allele origin: germline. Not counted in ClinVar's aggregate classification.
Comment: This variant is classified as likely benign based on ACMG/AMP sequence variant interpretation guidelines (Richards et al. 2015 PMID: 25741868, with internal and published modifications).